The following is an entry in ClinVar:

ClinVar aggregate classification (germline): Uncertain significance (1 of 4 stars; one submission).

gnomAD v4.1: 15 of 1,613,788 alleles (0.00093%); highest among the groups gnomAD compares: Non-Finnish European, 0.0011%; no homozygotes.

Submission:

Labcorp Genetics (formerly Invitae), Labcorp
Classification: Uncertain significance. Last evaluated: 2025-09-03. Review status: criteria provided, single submitter. Criteria: Invitae Variant Classification Sherloc (09022015). Collection method: clinical testing. Allele origin: germline.
Comment: This sequence change replaces arginine, which is basic and polar, with histidine, which is basic and polar, at codon 309 of the CCDC88C protein (p.Arg309His). This variant is present in population databases (rs756948941, gnomAD 0.0009%). This variant has not been reported in the literature in individuals affected with CCDC88C-related conditions. An algorithm developed to predict the effect of missense changes on protein structure and function (PolyPhen-2) suggests that this variant is likely to be disruptive. In summary, the available evidence is currently insufficient to determine the role of this variant in disease. Therefore, it has been classified as a Variant of Uncertain Significance.

NM_001080414.4(CCDC88C):c.926G>A (p.Arg309His)

Gene: CCDC88C (coiled-coil and HOOK domain protein 88C; minus strand). Cytogenetic location: 14q32.11.
Variant type: single nucleotide variant.
Coding change: c.926G>A on transcript NM_001080414.4 (MANE Select); coding-DNA position 926, G replaced by A.
Protein change: p.Arg309His; replaces arginine 309 with histidine.
Molecular consequence: missense variant. On other transcripts: non-coding transcript variant (2).
Genome position (GRCh38, 1-based): chr14:91,338,129, C>T on the plus strand (G>A on the coding strand, the complement: CCDC88C is on the minus strand). VCF-style: chr14-91338129-C-T. GRCh37 (hg19) VCF-style: chr14-91804473-C-T.
Other names: short protein forms R309H.
Identifiers: ClinVar variation 4762133 (VCV004762133.1).